The following is an entry in ClinVar:

ClinVar aggregate classification (germline): Benign/Likely benign. Review status: criteria provided, multiple submitters, no conflicts (2 of 4 stars). 9 submissions from 9 submitters: Benign (3); Likely benign (3). 3 of the submissions do not count toward it. Last evaluated 2026-02-01.

Conditions:
COL6A3-related disorder. Also called: COL6A3-related condition; COL6A3-related disorders.
Dystonia 27 (DYT27). Identifiers: Orphanet 464440, MedGen C4225336, MONDO:0014627, OMIM 616411.
Collagen 6-related myopathy. Identifiers: MedGen CN117976, MONDO:0100225.
Bethlem myopathy 1A. Also called: Bethlem myopathy 1; MYOPATHY, BENIGN CONGENITAL, WITH CONTRACTURES; Bethlem Muscular Dystrophy. Identifiers: Orphanet 610, MedGen CN029274, MONDO:0024530, OMIM 158810.
Tip-toe gait. Also called: Toe walking. Identifiers: MedGen C0427144, HP:0030051.

Allele frequency attached by ClinVar (database versions not stated): TOPMed 0.00022; gnomAD 0.00025 and 0.00044; gnomAD exomes 0.00110; ExAC 0.00120; 1000 Genomes Project 30x 0.00187; 1000 Genomes Project 0.00220.
gnomAD v4.1: 1,000 of 1,614,054 alleles (0.062%); highest among the groups gnomAD compares: South Asian, 0.7%; 10 homozygotes.

Submissions (9):

CeGaT Center for Human Genetics Tuebingen
Classification: Likely benign. Last evaluated: 2026-02-01. Review status: criteria provided, single submitter. Criteria: CeGaT Center For Human Genetics Tuebingen Variant Classification Criteria Version 2. Collection method: clinical testing. Allele origin: germline. Affected: yes. Observed: 10 variant alleles.
Comment: COL6A3: BP4, BS1

Labcorp Genetics (formerly Invitae), Labcorp
Classification: Benign for Bethlem myopathy 1A. Last evaluated: 2026-01-25. Review status: criteria provided, single submitter. Criteria: Invitae Variant Classification Sherloc (09022015). Collection method: clinical testing. Allele origin: germline.

Mayo Clinic Laboratories, Mayo Clinic
Classification: Benign. Last evaluated: 2024-11-19. Review status: criteria provided, single submitter. Criteria: ACMG Guidelines, 2015. Collection method: clinical testing. Allele origin: germline. Observed: 1 variant allele.
Comment: BS1, BS2, BP4

Dubai Health Genomic Medicine Center, Dubai Health
Classification: Likely benign. Last evaluated: 2020-03-19. Review status: criteria provided, single submitter. Criteria: ACMG Guidelines, 2015. Collection method: clinical testing. Allele origin: germline. Affected: yes.

Illumina Laboratory Services, Illumina
Classification: Benign for Collagen VI-related myopathy. Last evaluated: 2018-01-12. Review status: criteria provided, single submitter. Criteria: ICSL Variant Classification Criteria 13 December 2019. Collection method: clinical testing. Allele origin: germline.
Comment: This variant was observed in the ICSL laboratory as part of a predisposition screen in an ostensibly healthy population. It had not been previously curated by ICSL or reported in the Human Gene Mutation Database (HGMD: prior to June 1st, 2018), and was therefore a candidate for classification through an automated scoring system. Utilizing variant allele frequency, disease prevalence and penetrance estimates, and inheritance mode, an automated score was calculated to assess if this variant is too frequent to cause the disease. Based on the score and internal cut-off values, a variant classified as benign is not then subjected to further curation. The score for this variant resulted in a classification of benign for this disease.

Eurofins Ntd Llc (ga)
Classification: Likely benign. Last evaluated: 2015-07-01. Review status: criteria provided, single submitter. Criteria: EGL Classification Definitions 2015. Collection method: clinical testing. Allele origin: germline. Observed: 1 variant allele, 1 heterozygote.

PreventionGenetics, part of Exact Sciences
Classification: Likely benign for COL6A3-related condition. Last evaluated: 2020-10-27. Review status: no assertion criteria provided. Collection method: clinical testing. Allele origin: germline. Not counted in ClinVar's aggregate classification.
Comment: This variant is classified as likely benign based on ACMG/AMP sequence variant interpretation guidelines (Richards et al. 2015 PMID: 25741868, with internal and published modifications).

OMIM
Classification: Pathogenic for DYSTONIA 27. Last evaluated: 2015-06-04. Review status: no assertion criteria provided. Collection method: literature only. Allele origin: germline. Not counted in ClinVar's aggregate classification.

Practice for Gait Abnormalities, David Pomarino, Competency Network Toe Walking C/o Practice Pomarino
Classification: Likely pathogenic for Tip-toe gait. Review status: no assertion criteria provided. Collection method: clinical testing. Allele origin: germline. Affected: yes. Not counted in ClinVar's aggregate classification.

Literature cited by the submitters: PubMed 26004199 (cited by Mayo Clinic Laboratories, Mayo Clinic and OMIM); PubMed 26872670 (cited by Mayo Clinic Laboratories, Mayo Clinic).

NM_004369.4(COL6A3):c.9128G>A (p.Arg3043His)

Gene: COL6A3 (collagen type VI alpha 3 chain; minus strand). Cytogenetic location: 2q37.3.
Variant type: single nucleotide variant.
Coding change: c.9128G>A on transcript NM_004369.4 (MANE Select); coding-DNA position 9128, G replaced by A.
Protein change: p.Arg3043His; replaces arginine 3043 with histidine.
Molecular consequence: missense variant.
Genome position (GRCh38, 1-based): chr2:237,334,727, C>T on the plus strand (G>A on the coding strand, the complement: COL6A3 is on the minus strand). VCF-style: chr2-237334727-C-T. GRCh37 (hg19) VCF-style: chr2-238243370-C-T.
Other names: COL6A3, ARG3043HIS (rs552651651); c.7307G>A, p.Arg2436His (NM_057166.5); c.8510G>A, p.Arg2837His (NM_057167.4); short protein forms R3043H, R2436H, R2837H.
Identifiers: ClinVar variation 192261 (VCV000192261.63), dbSNP rs552651651, ClinGen allele CA200142.